The following is an entry in ClinVar:

NM_002734.5(PRKAR1A):c.416C>T (p.Ser139Leu)

Gene: PRKAR1A (protein kinase cAMP-dependent type I regulatory subunit alpha; plus strand). Cytogenetic location: 17q24.2.
Variant type: single nucleotide variant.
Coding change: c.416C>T on transcript NM_002734.5 (MANE Select); coding-DNA position 416, C replaced by T.
Protein change: p.Ser139Leu; replaces serine 139 with leucine.
Molecular consequence: missense variant.
Genome position (GRCh38, 1-based): chr17:68,523,792, C>T. VCF-style: chr17-68523792-C-T. GRCh37 (hg19) VCF-style: chr17-66519933-C-T.
Other names: c.416C>T, p.Ser139Leu (NM_212471.3, NM_212472.2, NM_001276289.2 and 4 more transcripts); c.416C>T (NM_002734.3); short protein forms S139L.
Identifiers: ClinVar variation 2678069 (VCV002678069.5), dbSNP rs2509405091, ClinGen allele CA400752698.

ClinVar aggregate classification (germline): Uncertain significance. Review status: criteria provided, multiple submitters, no conflicts (2 of 4 stars). 3 submissions from 3 submitters: Uncertain significance (3). Last evaluated 2025-11-18.

Conditions:
Acrodysostosis 1 with or without hormone resistance (ACRDYS1). Also called: ACRODYSOSTOSIS 1 WITH HORMONE RESISTANCE; ACRODYSOSTOSIS 1 WITHOUT HORMONE RESISTANCE; ACRODYSOSTOSIS WITH HORMONE RESISTANCE. Identifiers: Orphanet 280651, MedGen C3276228, MONDO:0007044, OMIM 101800.
Hereditary cancer-predisposing syndrome. Also called: Neoplastic Syndromes, Hereditary; Tumor predisposition; Hereditary Cancer Syndrome; Hereditary neoplastic syndrome. Identifiers: Orphanet 140162, MedGen C0027672, MeSH D009386, MONDO:0015356.
Carney complex, type 1 (CNC1). Also called: CARNEY MYXOMA-ENDOCRINE COMPLEX; CARNEY COMPLEX, TYPE I. Identifiers: Orphanet 1359, MedGen C2607929, MONDO:0008057, OMIM 160980.

Submissions (3):

Labcorp Genetics (formerly Invitae), Labcorp
Classification: Uncertain significance for Carney complex, type 1. Last evaluated: 2025-11-18. Review status: criteria provided, single submitter. Criteria: Invitae Variant Classification Sherloc (09022015). Collection method: clinical testing. Allele origin: germline.
Comment: This sequence change replaces serine, which is neutral and polar, with leucine, which is neutral and non-polar, at codon 139 of the PRKAR1A protein (p.Ser139Leu). This variant is not present in population databases (gnomAD no frequency). This variant has not been reported in the literature in individuals affected with PRKAR1A-related conditions. ClinVar contains an entry for this variant (Variation ID: 2678069). Invitae Evidence Modeling of protein sequence and biophysical properties (such as structural, functional, and spatial information, amino acid conservation, physicochemical variation, residue mobility, and thermodynamic stability) has been performed for this missense variant. However, the output from this modeling did not meet the statistical confidence thresholds required to predict the impact of this variant on PRKAR1A protein function. In summary, the available evidence is currently insufficient to determine the role of this variant in disease. Therefore, it has been classified as a Variant of Uncertain Significance.

Ambry Genetics
Classification: Uncertain significance for Hereditary cancer-predisposing syndrome. Last evaluated: 2025-10-16. Review status: criteria provided, single submitter. Criteria: Ambry Variant Classification Scheme 2023. Collection method: clinical testing. Allele origin: germline.
Comment: The p.S139L variant (also known as c.416C>T), located in coding exon 3 of the PRKAR1A gene, results from a C to T substitution at nucleotide position 416. The serine at codon 139 is replaced by leucine, an amino acid with dissimilar properties. This amino acid position is conserved. In addition, the in silico prediction for this alteration is inconclusive. Based on the available evidence, the clinical significance of this variant remains unclear.

Baylor Genetics
Classification: Uncertain significance for Acrodysostosis 1 with or without hormone resistance. Last evaluated: 2023-05-06. Review status: criteria provided, single submitter. Criteria: ACMG Guidelines, 2015. Collection method: clinical testing. Allele origin: unknown.